The following is an entry in ClinVar:

ClinVar aggregate classification (germline): Uncertain significance (1 of 4 stars; one submission).

Conditions:
Aicardi-Goutieres syndrome 4. Identifiers: Orphanet 51, MedGen C1835912, MONDO:0012472, OMIM 610333.

Allele frequency attached by ClinVar (database versions not stated): gnomAD exomes below 0.00001; TOPMed below 0.00001; gnomAD 0.00001.
gnomAD v4.1: 3 of 1,613,782 alleles (0.00019%); highest among the groups gnomAD compares: Non-Finnish European, 0.00025%; no homozygotes.

Submission:

Labcorp Genetics (formerly Invitae), Labcorp
Classification: Uncertain significance for Aicardi-Goutieres syndrome 4. Last evaluated: 2022-03-11. Review status: criteria provided, single submitter. Criteria: Invitae Variant Classification Sherloc (09022015). Collection method: clinical testing. Allele origin: germline.
Comment: This sequence change replaces methionine, which is neutral and non-polar, with isoleucine, which is neutral and non-polar, at codon 45 of the RNASEH2A protein (p.Met45Ile). This variant is present in population databases (no rsID available, gnomAD 0.0009%). This variant has not been reported in the literature in individuals affected with RNASEH2A-related conditions. ClinVar contains an entry for this variant (Variation ID: 964786). Algorithms developed to predict the effect of missense changes on protein structure and function are either unavailable or do not agree on the potential impact of this missense change (SIFT: "Tolerated"; PolyPhen-2: "Probably Damaging"; Align-GVGD: "Class C0"). Algorithms developed to predict the effect of sequence changes on RNA splicing suggest that this variant may create or strengthen a splice site. In summary, the available evidence is currently insufficient to determine the role of this variant in disease. Therefore, it has been classified as a Variant of Uncertain Significance.

NM_006397.3(RNASEH2A):c.135G>A (p.Met45Ile)

Gene: RNASEH2A (ribonuclease H2 subunit A; plus strand). Cytogenetic location: 19p13.13.
Variant type: single nucleotide variant.
Coding change: c.135G>A on transcript NM_006397.3 (MANE Select); coding-DNA position 135, G replaced by A.
Protein change: p.Met45Ile; replaces methionine 45 with isoleucine.
Molecular consequence: missense variant.
Genome position (GRCh38, 1-based): chr19:12,807,015, G>A. VCF-style: chr19-12807015-G-A. GRCh37 (hg19) VCF-style: chr19-12917829-G-A.
Other names: short protein forms M45I.
Identifiers: ClinVar variation 964786 (VCV000964786.7), dbSNP rs1187283211, ClinGen allele CA404263872.
Genomic context (GRCh38, chr19:12,807,015, plus strand): 5'-GGGCTCAGTGATTGGACCCCGGCTGCCAGAAAACTGACACCCCTTCTCCCCAGGCCCCAT[G>A]GTCTACGCCATCTGTTATTGTCCCCTGCCTCGCCTGGCAGATCTGGAGGCGCTGAAAGTG-3'
Protein context (NP_006388.2, residues 35-55): EAGRGPVLGP[Met45Ile]VYAICYCPLP